The following is an entry in ClinVar:

NM_000481.4(AMT):c.614T>G (p.Met205Arg)

Gene: AMT (aminomethyltransferase; minus strand). Cytogenetic location: 3p21.31.
Variant type: single nucleotide variant.
Coding change: c.614T>G on transcript NM_000481.4 (MANE Select); coding-DNA position 614, T replaced by G.
Protein change: p.Met205Arg; replaces methionine 205 with arginine.
Molecular consequence: missense variant. On other transcripts: non-coding transcript variant (1).
Genome position (GRCh38, 1-based): chr3:49,419,342, A>C on the plus strand (T>G on the coding strand, the complement: AMT is on the minus strand). VCF-style: chr3-49419342-A-C. GRCh37 (hg19) VCF-style: chr3-49456775-A-C.
Other names: c.482T>G, p.Met161Arg (NM_001164710.2); c.446T>G, p.Met149Arg (NM_001164711.2); c.614T>G, p.Met205Arg (NM_001164712.2); short protein forms M149R, M205R, M161R.
Identifiers: ClinVar variation 1520201 (VCV001520201.8), dbSNP rs2107932197, ClinGen allele CA352790208.
Genomic context (GRCh38, chr3:49,419,342, plus strand): 5'-TAGCCACAGCGGGTCACGCGGCAGCCAGACACGCCAAACACCTCCATCACAGCACTGGTC[A>C]TGAAGGGCAGTTTCCTCAGGTCATCTGCCACGCCGGCCTGTAGTACCTGGGCTGCAGTGG-3'
Protein context (NP_000472.2, residues 195-215): VADDLRKLPF[Met205Arg]TSAVMEVFGV

ClinVar aggregate classification (germline): Uncertain significance (1 of 4 stars; one submission).

Conditions:
Glycine encephalopathy. Also called: Nonketotic hyperglycinemia; Non-ketotic hyperglycinemia. Identifiers: Orphanet 407, MedGen C0751748, MONDO:0011612, HP:0008288.

Submission:

Labcorp Genetics (formerly Invitae), Labcorp
Classification: Uncertain significance for Glycine encephalopathy. Last evaluated: 2022-07-19. Review status: criteria provided, single submitter. Criteria: Invitae Variant Classification Sherloc (09022015). Collection method: clinical testing. Allele origin: germline.
Comment: In summary, the available evidence is currently insufficient to determine the role of this variant in disease. Therefore, it has been classified as a Variant of Uncertain Significance. Algorithms developed to predict the effect of sequence changes on RNA splicing suggest that this variant may disrupt the consensus splice site. Advanced modeling of protein sequence and biophysical properties (such as structural, functional, and spatial information, amino acid conservation, physicochemical variation, residue mobility, and thermodynamic stability) performed at Invitae indicates that this missense variant is expected to disrupt AMT protein function. ClinVar contains an entry for this variant (Variation ID: 1520201). This variant has not been reported in the literature in individuals affected with AMT-related conditions. This variant is not present in population databases (gnomAD no frequency). This sequence change replaces methionine, which is neutral and non-polar, with arginine, which is basic and polar, at codon 205 of the AMT protein (p.Met205Arg).